The following is an entry in ClinVar:

ClinVar aggregate classification (germline): Uncertain significance. Review status: criteria provided, multiple submitters, no conflicts (2 of 4 stars). 4 submissions from 4 submitters: Uncertain significance (4). Last evaluated 2024-05-08.

Conditions:
Hereditary cancer-predisposing syndrome. Also called: Tumor predisposition; Hereditary Cancer Syndrome; Hereditary neoplastic syndrome; Neoplastic Syndromes, Hereditary. Identifiers: Orphanet 140162, MedGen C0027672, MeSH D009386, MONDO:0015356.
Familial cancer of breast. Also called: BREAST CANCER, FAMILIAL; Hereditary breast cancer; hereditary breast carcinoma. Identifiers: Orphanet 227535, MedGen C0346153, MONDO:0016419, OMIM 114480. Disease mechanism: loss of function.

Submissions (4):

Labcorp Genetics (formerly Invitae), Labcorp
Classification: Uncertain significance for Familial cancer of breast. Last evaluated: 2024-05-08. Review status: criteria provided, single submitter. Criteria: Invitae Variant Classification Sherloc (09022015). Collection method: clinical testing. Allele origin: germline.
Comment: This sequence change replaces valine, which is neutral and non-polar, with leucine, which is neutral and non-polar, at codon 314 of the CHEK2 protein (p.Val314Leu). This variant is not present in population databases (gnomAD no frequency). This variant has not been reported in the literature in individuals affected with CHEK2-related conditions. ClinVar contains an entry for this variant (Variation ID: 410034). An algorithm developed to predict the effect of missense changes on protein structure and function (PolyPhen-2) suggests that this variant is likely to be tolerated. In summary, the available evidence is currently insufficient to determine the role of this variant in disease. Therefore, it has been classified as a Variant of Uncertain Significance.

Color Diagnostics, LLC DBA Color Health
Classification: Uncertain significance for Hereditary cancer-predisposing syndrome. Last evaluated: 2023-12-05. Review status: criteria provided, single submitter. Criteria: ACMG Guidelines, 2015. Collection method: clinical testing. Allele origin: germline.
Comment: This missense variant replaces valine with leucine at codon 314 of the CHEK2 protein. Computational prediction suggests that this variant may not impact protein structure and function (internally defined REVEL score threshold <= 0.5, PMID: 27666373). To our knowledge, functional studies have not been reported for this variant. This variant has not been reported in individuals affected with CHEK2-related disorders in the literature. This variant has not been identified in the general population by the Genome Aggregation Database (gnomAD). The available evidence is insufficient to determine the role of this variant in disease conclusively. Therefore, this variant is classified as a Variant of Uncertain Significance.

Baylor Genetics
Classification: Uncertain significance for Familial cancer of breast. Last evaluated: 2023-10-02. Review status: criteria provided, single submitter. Criteria: ACMG Guidelines, 2015. Collection method: clinical testing. Allele origin: unknown.

Ambry Genetics
Classification: Uncertain significance for Hereditary cancer-predisposing syndrome. Last evaluated: 2023-06-18. Review status: criteria provided, single submitter. Criteria: Ambry Variant Classification Scheme 2023. Collection method: clinical testing. Allele origin: germline.
Comment: The p.V314L variant (also known as c.940G>T), located in coding exon 8 of the CHEK2 gene, results from a G to T substitution at nucleotide position 940. The valine at codon 314 is replaced by leucine, an amino acid with highly similar properties. This amino acid position is not well conserved in available vertebrate species. In addition, this alteration is predicted to be tolerated by in silico analysis. Since supporting evidence is limited at this time, the clinical significance of this alteration remains unclear.

NM_007194.4(CHEK2):c.940G>T (p.Val314Leu)

Gene: CHEK2 (checkpoint kinase 2; minus strand). Cytogenetic location: 22q12.1.
Variant type: single nucleotide variant.
Coding change: c.940G>T on transcript NM_007194.4 (MANE Select); coding-DNA position 940, G replaced by T.
Protein change: p.Val314Leu; replaces valine 314 with leucine.
Molecular consequence: missense variant.
Genome position (GRCh38, 1-based): chr22:28,699,906, C>A on the plus strand (G>T on the coding strand, the complement: CHEK2 is on the minus strand). VCF-style: chr22-28699906-C-A. GRCh37 (hg19) VCF-style: chr22-29095894-C-A.
Other names: c.1069G>T, p.Val357Leu (NM_001005735.3); c.277G>T, p.Val93Leu (NM_001257387.3); c.739G>T, p.Val247Leu (NM_001349956.3); c.940G>T, p.Val314Leu (NM_145862.3); short protein forms V314L, V247L, V93L, V357L.
Identifiers: ClinVar variation 410034 (VCV000410034.21), dbSNP rs778573074, ClinGen allele CA16616586.
Genomic context (GRCh38, chr22:28,699,906, plus strand): 5'-CCAAGAGCATCTGGTAAAAATAGAGCTTGCAGGTAGCTTCTTTCAGGCGTTTATTCCCCA[C>A]CACTTTGTCAAACAGCTCTCCCCCTTCCATCCTGAAACACAAAGGCAAGGCAAGGGGTTC-3'
Protein context (NP_009125.1, residues 304-324): MEGGELFDKV[Val314Leu]GNKRLKEATC